The following is an entry in ClinVar:

NM_004260.4(RECQL4):c.1709G>C (p.Arg570Pro)

Gene: RECQL4 (RecQ like helicase 4; minus strand). Cytogenetic location: 8q24.3.
Variant type: single nucleotide variant.
Coding change: c.1709G>C on transcript NM_004260.4 (MANE Select); coding-DNA position 1709, G replaced by C.
Protein change: p.Arg570Pro; replaces arginine 570 with proline.
Molecular consequence: missense variant. On other transcripts: non-coding transcript variant (3), intron variant (3).
Genome position (GRCh38, 1-based): chr8:144,514,358, C>G on the plus strand (G>C on the coding strand, the complement: RECQL4 is on the minus strand). VCF-style: chr8-144514358-C-G. GRCh37 (hg19) VCF-style: chr8-145739742-C-G.
Other names: c.1613G>C, p.Arg538Pro (NM_001413017.1, NM_001413020.1); c.1709G>C, p.Arg570Pro (NM_001413018.1, NM_001413019.1, NM_001413036.1); c.572G>C, p.Arg191Pro (NM_001413030.1, NM_001413032.1, NM_001413041.1 and 1 more transcripts); c.638G>C, p.Arg213Pro (NM_001413034.1, NM_001413035.1, NM_001413038.1 and 6 more transcripts); c.1679G>C, p.Arg560Pro (NM_001413039.1); c.608G>C, p.Arg203Pro (NM_001413042.1); c.1580G>C, p.Arg527Pro (NM_001413025.1); c.1358G>C, p.Arg453Pro (NM_001413029.1); and 4 more; short protein forms R191P, R453P, R527P, R570P, R203P, R213P, R538P, R560P.
Identifiers: ClinVar variation 4152358 (VCV004152358.1).
Genomic context (GRCh38, chr8:144,514,358, plus strand): 5'-AGGCCTCCCGCCCCCACCAGTGCCTCAGGTGTCAGCATCAGCACGTGTACCTGGGCTGCC[C>G]GAATCTGAAGGCAGCAAGATCAGAGGCACAGCCCAGGTGCCCGCCCGCTGCCTCCCTCAC-3'
Protein context (NP_004251.4, residues 560-580): KQRESVLQKI[Arg570Pro]AAQVHVLMLT

ClinVar aggregate classification (germline): Uncertain significance (1 of 4 stars; one submission).

Conditions:
Inborn genetic diseases. Identifiers: MedGen C0950123, MeSH D030342.

Submission:

Ambry Genetics
Classification: Uncertain significance for Inborn genetic diseases. Last evaluated: 2025-06-30. Review status: criteria provided, single submitter. Criteria: Ambry Variant Classification Scheme 2023. Collection method: clinical testing. Allele origin: germline.
Comment: The p.R570P variant (also known as c.1709G>C), located in coding exon 11 of the RECQL4 gene, results from a G to C substitution at nucleotide position 1709. The arginine at codon 570 is replaced by proline, an amino acid with dissimilar properties. This amino acid position is conserved. In addition, this alteration is predicted to be tolerated by in silico analysis. Based on the available evidence, the clinical significance of this variant remains unclear.